The following is an entry in ClinVar:

ClinVar aggregate classification (germline): Pathogenic. Review status: criteria provided, multiple submitters, no conflicts (2 of 4 stars). 2 submissions from 2 submitters: Pathogenic (2). Last evaluated 2021-05-14.

Conditions:
NF2-related disorder. Also called: NF2-related condition.
Hereditary cancer-predisposing syndrome. Also called: Hereditary Cancer Syndrome; Hereditary neoplastic syndrome; Neoplastic Syndromes, Hereditary; Tumor predisposition. Identifiers: Orphanet 140162, MedGen C0027672, MeSH D009386, MONDO:0015356.

Submissions (2):

Ambry Genetics
Classification: Pathogenic for Hereditary cancer-predisposing syndrome. Last evaluated: 2021-05-14. Review status: criteria provided, single submitter. Criteria: Ambry Variant Classification Scheme 2023. Collection method: clinical testing. Allele origin: germline.
Comment: The p.E204* pathogenic mutation (also known as c.610G>T), located in coding exon 7 of the NF2 gene, results from a G to T substitution at nucleotide position 610. This changes the amino acid from a glutamic acid to a stop codon within coding exon 7. This alteration was identified in a child with epilepsy due to focal cortical dysplasia who had whole-exome sequencing; subsequent focused imaging was consistent with a unilateral acoustic neuroma (Muir KE et al. Pediatr Neurol. 2018 08;85:79-81). In addition to the clinical data presented in the literature, this alteration is expected to result in loss of function by premature protein truncation or nonsense-mediated mRNA decay. As such, this alteration is interpreted as a disease-causing mutation.

Blueprint Genetics
Classification: Pathogenic for NF2-related disorders. Last evaluated: 2021-03-03. Review status: criteria provided, single submitter. Criteria: ACMG Guidelines, 2015. Collection method: clinical testing. Allele origin: germline. Affected: yes. Observed: 1 variant allele.

Literature cited by the submitters: PubMed 30122282 (cited by Ambry Genetics).

NM_000268.4(NF2):c.610G>T (p.Glu204Ter)

Gene: NF2 (NF2, moesin-ezrin-radixin like (MERLIN) tumor suppressor; plus strand). Cytogenetic location: 22q12.2.
Variant type: single nucleotide variant.
Coding change: c.610G>T on transcript NM_000268.4 (MANE Select); coding-DNA position 610, G replaced by T.
Protein change: p.Glu204Ter; replaces glutamic acid 204 with a stop codon.
Molecular consequence: nonsense. On other transcripts: non-coding transcript variant (1), intron variant (1).
Genome position (GRCh38, 1-based): chr22:29,658,199, G>T. VCF-style: chr22-29658199-G-T. GRCh37 (hg19) VCF-style: chr22-30054188-G-T.
Other names: c.496G>T, p.Glu166Ter (NM_001407053.1, NM_001407056.1); c.361G>T, p.Glu121Ter (NM_001407063.1, NM_001407064.1, NM_181830.3 and 1 more transcripts); c.610G>T, p.Glu204Ter (NM_016418.5, NM_181825.3, NM_001407060.1 and 4 more transcripts); c.484G>T, p.Glu162Ter (NM_181828.3, NM_001407055.1); c.487G>T, p.Glu163Ter (NM_181829.3, NM_001407062.1, NM_001407054.1 and 1 more transcripts); c.76G>T, p.Glu26Ter (NM_001407065.1); c.379G>T, p.Glu127Ter (NM_001407067.1); c.447+15914G>T (NM_181833.3); short protein forms E166*, E127*, E121*, E162*, E204*, E163*, E26*.
Identifiers: ClinVar variation 1751679 (VCV001751679.3), dbSNP rs1569295916, ClinGen allele CA411142985.
Genomic context (GRCh38, chr22:29,658,199, plus strand): 5'-CCACCCATCTCACTTAGCTCCAATGACAGTGTCTTCCGTTCTCCCCACAGGGATGAAGCT[G>T]AAATGGAATATCTGAAGATAGCTCAGGACCTGGAGATGTACGGTGTGAACTACTTTGCAA-3'